The following is an entry in ClinVar:

ClinVar aggregate classification (germline): Likely pathogenic (1 of 4 stars; one submission).

Conditions:
Amelogenesis imperfecta hypomaturation type 2A3. Also called: Amelogenesis imperfecta, type IIA3. Identifiers: Orphanet 88661, MedGen C2750771, MONDO:0013181, OMIM 613211. Disease mechanism: loss of function.

Submission:

Lifecell International Pvt. Ltd
Classification: Likely pathogenic for Amelogenesis imperfecta hypomaturation type 2A3. Review status: criteria provided, single submitter. Criteria: ACMG Guidelines, 2015. Collection method: clinical testing. Allele origin: germline. Inheritance: Autosomal recessive inheritance. Affected: yes. Observed: 1 homozygote.
Comment: A Homozygote Nonsense variant c.2864T>G in Exon 16 of the WDR72 gene that results in the amino acid substitution p.Leu955* was identified. The observed variant is novel in gnomAD exomes and genomes, respectively. The severity of the impact of this variant on the protein is high, based on the effect of the protein and REVEL score. Rare Exome Variant Ensemble Learner (REVEL) is an ensembl method for predicting the pathogenicity of missense variants based on a combination of scores from 13 individual tools: MutPred, FATHMM v2.3, VEST 3.0, PolyPhen-2, SIFT, PROVEAN, MutationAssessor, MutationTaster, LRT, GERP++, SiPhy, phyloP, and phastCons. The REVEL score for an individual missense variant can range from 0 to 1, with higher scores reflecting greater likelihood that the variant is disease-causing. Study showed patients with WDR72 mutations are affected with distal RTA (Khandelwal, Priyanka et al., 2021). For these reasons, this variant has been classified as Likely Pathogenic.

Literature cited by the submitters: PubMed 33033857.

NM_182758.4(WDR72):c.2864T>G (p.Leu955Ter)

Gene: WDR72 (WD repeat domain 72; minus strand). Cytogenetic location: 15q21.3.
Variant type: single nucleotide variant.
Coding change: c.2864T>G on transcript NM_182758.4 (MANE Select); coding-DNA position 2864, T replaced by G.
Protein change: p.Leu955Ter; replaces leucine 955 with a stop codon.
Molecular consequence: nonsense. On other transcripts: non-coding transcript variant (1).
Genome position (GRCh38, 1-based): chr15:53,613,674, A>C on the plus strand (T>G on the coding strand, the complement: WDR72 is on the minus strand). VCF-style: chr15-53613674-A-C. GRCh37 (hg19) VCF-style: chr15-53905871-A-C.
Other names: short protein forms L955*.
Identifiers: ClinVar variation 2504595 (VCV002504595.1), dbSNP rs2543065306, ClinGen allele CA392527202.